The following is an entry in ClinVar:

NM_003786.4(ABCC3):c.141C>T (p.Val47=)

Gene: ABCC3 (ATP binding cassette subfamily C member 3; plus strand). Cytogenetic location: 17q21.33.
Variant type: single nucleotide variant.
Coding change: c.141C>T on transcript NM_003786.4 (MANE Select); coding-DNA position 141, C replaced by T.
Protein change: p.Val47=; no amino-acid change (valine 47 retained).
Molecular consequence: synonymous variant.
Genome position (GRCh38, 1-based): chr17:50,655,927, C>T. VCF-style: chr17-50655927-C-T. GRCh37 (hg19) VCF-style: chr17-48733288-C-T.
Other names: c.141C>T, p.Val47= (NM_001144070.2).
Identifiers: ClinVar variation 2647941 (VCV002647941.24), dbSNP rs145596140, ClinGen allele CA8653954.

ClinVar aggregate classification (germline): Likely benign (1 of 4 stars; one submission).

Allele frequency attached by ClinVar (database versions not stated): 1000 Genomes Project 0.00020; 1000 Genomes Project 30x 0.00047; TOPMed 0.00097; gnomAD 0.00099; ExAC 0.00130; ESP Exome Variant Server 0.00131; gnomAD exomes 0.00134.
gnomAD v4.1: 2,125 of 1,614,082 alleles (0.13%); highest among the groups gnomAD compares: Non-Finnish European, 0.16%; 3 homozygotes.

Submission:

CeGaT Center for Human Genetics Tuebingen
Classification: Likely benign. Last evaluated: 2022-09-01. Review status: criteria provided, single submitter. Criteria: CeGaT Center For Human Genetics Tuebingen Variant Classification Criteria Version 2. Collection method: clinical testing. Allele origin: germline. Affected: yes. Observed: 2 variant alleles.
Comment: ABCC3: BP4, BP7